The following is an entry in ClinVar:

NM_000178.4(GSS):c.73C>T (p.Arg25Trp)

Gene: GSS (glutathione synthetase; minus strand). Cytogenetic location: 20q11.22.
Variant type: single nucleotide variant.
Coding change: c.73C>T on transcript NM_000178.4 (MANE Select); coding-DNA position 73, C replaced by T.
Protein change: p.Arg25Trp; replaces arginine 25 with tryptophan.
Molecular consequence: missense variant.
Genome position (GRCh38, 1-based): chr20:34,951,780, G>A on the plus strand (C>T on the coding strand, the complement: GSS is on the minus strand). VCF-style: chr20-34951780-G-A. GRCh37 (hg19) VCF-style: chr20-33539583-G-A.
Other names: c.73C>T, p.Arg25Trp (NM_001322494.1, NM_001322495.1); c.73C>T (NM_000178.2); short protein forms R25W.
Identifiers: ClinVar variation 1386772 (VCV001386772.5), dbSNP rs930264754, ClinGen allele CA313490406.

ClinVar aggregate classification (germline): Uncertain significance. Review status: criteria provided, multiple submitters, no conflicts (2 of 4 stars). 3 submissions from 3 submitters: Uncertain significance (3). Last evaluated 2025-08-05.

Conditions:
Inborn genetic diseases. Identifiers: MedGen C0950123, MeSH D030342.
Inherited glutathione synthetase deficiency. Identifiers: Orphanet 32, MedGen C5979912, MONDO:0017909.

Allele frequency attached by ClinVar (database versions not stated): gnomAD exomes 0.00002 and 0.00004; gnomAD 0.00003.
gnomAD v4.1: 71 of 1,613,770 alleles (0.0044%); highest among the groups gnomAD compares: Non-Finnish European, 0.0054%; no homozygotes.

Submissions (3):

Ambry Genetics
Classification: Uncertain significance for Inborn genetic diseases. Last evaluated: 2025-08-05. Review status: criteria provided, single submitter. Criteria: Ambry Variant Classification Scheme 2023. Collection method: clinical testing. Allele origin: germline.

Revvity Omics, Revvity
Classification: Uncertain significance. Last evaluated: 2024-01-23. Review status: criteria provided, single submitter. Criteria: ACMG Guidelines, 2015. Collection method: clinical testing. Allele origin: germline.

Labcorp Genetics (formerly Invitae), Labcorp
Classification: Uncertain significance for Glutathione synthetase deficiency with 5-oxoprolinuria. Last evaluated: 2022-07-19. Review status: criteria provided, single submitter. Criteria: Invitae Variant Classification Sherloc (09022015). Collection method: clinical testing. Allele origin: germline.
Comment: This sequence change replaces arginine, which is basic and polar, with tryptophan, which is neutral and slightly polar, at codon 25 of the GSS protein (p.Arg25Trp). This variant is present in population databases (no rsID available, gnomAD 0.005%). This variant has not been reported in the literature in individuals affected with GSS-related conditions. ClinVar contains an entry for this variant (Variation ID: 1386772). Algorithms developed to predict the effect of missense changes on protein structure and function (SIFT, PolyPhen-2, Align-GVGD) all suggest that this variant is likely to be tolerated. In summary, the available evidence is currently insufficient to determine the role of this variant in disease. Therefore, it has been classified as a Variant of Uncertain Significance.